The following is an entry in ClinVar:

ClinVar aggregate classification (germline): Uncertain significance (1 of 4 stars; one submission).

Allele frequency attached by ClinVar (database versions not stated): gnomAD 0.00001; TOPMed 0.00002.
gnomAD v4.1: 2 of 1,551,760 alleles (0.00013%); highest among the groups gnomAD compares: Non-Finnish European, 0.00017%; no homozygotes.

Submission:

Labcorp Genetics (formerly Invitae), Labcorp
Classification: Uncertain significance. Last evaluated: 2022-05-04. Review status: criteria provided, single submitter. Criteria: Invitae Variant Classification Sherloc (09022015). Collection method: clinical testing. Allele origin: germline.
Comment: This sequence change replaces cysteine, which is neutral and slightly polar, with arginine, which is basic and polar, at codon 522 of the ZSWIM6 protein (p.Cys522Arg). In summary, the available evidence is currently insufficient to determine the role of this variant in disease. Therefore, it has been classified as a Variant of Uncertain Significance. Algorithms developed to predict the effect of missense changes on protein structure and function are either unavailable or do not agree on the potential impact of this missense change (SIFT: "Deleterious"; PolyPhen-2: "Benign"; Align-GVGD: "Class C0"). This variant has not been reported in the literature in individuals affected with ZSWIM6-related conditions. This variant is not present in population databases (gnomAD no frequency).

NM_020928.2(ZSWIM6):c.1564T>C (p.Cys522Arg)

Gene: ZSWIM6 (zinc finger SWIM-type containing 6; plus strand). Cytogenetic location: 5q12.1.
Variant type: single nucleotide variant.
Coding change: c.1564T>C on transcript NM_020928.2 (MANE Select); coding-DNA position 1564, T replaced by C.
Protein change: p.Cys522Arg; replaces cysteine 522 with arginine.
Molecular consequence: missense variant.
Genome position (GRCh38, 1-based): chr5:61,525,850, T>C. VCF-style: chr5-61525850-T-C. GRCh37 (hg19) VCF-style: chr5-60821677-T-C.
Other names: short protein forms C522R.
Identifiers: ClinVar variation 1972373 (VCV001972373.5), dbSNP rs1304027051, ClinGen allele CA359943333.